The following is an entry in ClinVar:

ClinVar aggregate classification (germline): Likely benign (1 of 4 stars; one submission).

Submission:

Women's Health and Genetics/Laboratory Corporation of America, LabCorp
Classification: Likely benign. Last evaluated: 2024-09-18. Review status: criteria provided, single submitter. Criteria: LabCorp Variant Classification Summary - May 2015. Collection method: clinical testing. Allele origin: germline.
Comment: Variant summary: GLI2 c.2226T>C alters a conserved nucleotide resulting in a synonymous change. The variant was absent in 250476 control chromosomes. The available data on variant occurrences in the general population are insufficient to allow any conclusion about variant significance. To our knowledge, no occurrence of c.2226T>C in individuals affected with GLI2-Related Disorders and no experimental evidence demonstrating its impact on protein function have been reported. No submitters have cited clinical-significance assessments for this variant to ClinVar. Based on the evidence outlined above, the variant was classified as likely benign.

NM_001374353.1(GLI2):c.2175T>C (p.Asp725=)

Gene: GLI2 (GLI family zinc finger 2; plus strand). Cytogenetic location: 2q14.2.
Variant type: single nucleotide variant.
Coding change: c.2175T>C on transcript NM_001374353.1 (MANE Select); coding-DNA position 2175, T replaced by C.
Protein change: p.Asp725=; no amino-acid change (aspartic acid 725 retained).
Molecular consequence: synonymous variant.
Genome position (GRCh38, 1-based): chr2:120,986,547, T>C. VCF-style: chr2-120986547-T-C. GRCh37 (hg19) VCF-style: chr2-121744123-T-C.
Other names: c.2226T>C, p.Asp742= (NM_001371271.1, NM_005270.5); c.1800T>C, p.Asp600= (NM_001374354.1).
Identifiers: ClinVar variation 3375407 (VCV003375407.1).